The following is an entry in ClinVar:

ClinVar aggregate classification (germline): Pathogenic (1 of 4 stars; one submission).

Submission:

Labcorp Genetics (formerly Invitae), Labcorp
Classification: Pathogenic. Last evaluated: 2022-12-08. Review status: criteria provided, single submitter. Criteria: Invitae Variant Classification Sherloc (09022015). Collection method: clinical testing. Allele origin: germline.
Comment: For these reasons, this variant has been classified as Pathogenic. This premature translational stop signal has been observed in individual(s) with Leber congenital amaurosis (PMID: 32856788). This variant is not present in population databases (gnomAD no frequency). This sequence change creates a premature translational stop signal (p.Pro65Leufs*46) in the LCA5 gene. It is expected to result in an absent or disrupted protein product. Loss-of-function variants in LCA5 are known to be pathogenic (PMID: 17546029, 23946133).

Literature cited by the submitters: PubMed 32856788; PubMed 17546029; PubMed 23946133.

NM_001122769.3(LCA5):c.194del (p.Pro65fs)

Gene: LCA5 (lebercilin LCA5; minus strand). Cytogenetic location: 6q14.1.
Variant type: Deletion.
Coding change: c.194del on transcript NM_001122769.3 (MANE Select); coding-DNA position 194, one base deleted (C; older notation c.194delC).
Protein change: p.Pro65fs; shifts the reading frame from proline 65.
Molecular consequence: frameshift variant.
Genome position (GRCh38, 1-based): chr6:79,513,738, G deleted on the plus strand (C on the coding strand, the reverse complement: LCA5 is on the minus strand); the first of 4 consecutive G bases (chr6:79,513,738-79,513,741); deleting any one gives the same sequence. VCF-style (leftmost placement, unchanged base first): chr6-79513737-AG-A. GRCh37 (hg19) VCF-style: chr6-80223454-AG-A.
Other names: c.194del, p.Pro65fs (NM_181714.4); short protein forms P65fs.
Identifiers: ClinVar variation 2780093 (VCV002780093.3), dbSNP rs2533440718, ClinGen allele CA2679483503.